The following is an entry in ClinVar:

NM_058004.4(PI4KA):c.3294G>A (p.Thr1098=)

Gene: PI4KA (phosphatidylinositol 4-kinase alpha; minus strand). Cytogenetic location: 22q11.21.
Variant type: single nucleotide variant.
Coding change: c.3294G>A on transcript NM_058004.4 (MANE Select); coding-DNA position 3294, G replaced by A.
Protein change: p.Thr1098=; no amino-acid change (threonine 1098 retained).
Molecular consequence: synonymous variant.
Genome position (GRCh38, 1-based): chr22:20,747,652, C>T on the plus strand (G>A on the coding strand, the complement: PI4KA is on the minus strand). VCF-style: chr22-20747652-C-T. GRCh37 (hg19) VCF-style: chr22-21101940-C-T.
Other names: c.3294G>A, p.Thr1098= (NM_001362862.2); c.3228G>A, p.Thr1076= (NM_001362863.2).
Identifiers: ClinVar variation 3053614 (VCV003053614.3), dbSNP rs149908635, ClinGen allele CA10115423.

ClinVar aggregate classification (germline): Likely benign. Review status: criteria provided, single submitter (1 of 4 stars). 2 submissions from 2 submitters: Likely benign (1). 1 of the submissions does not count toward it. Last evaluated 2024-11-12.

Conditions:
PI4KA-related disorder. Also called: PI4KA-related disorders; PI4KA-related condition. Identifiers: MedGen CN378147, MONDO:1040012.

Allele frequency attached by ClinVar (database versions not stated): gnomAD exomes 0.00035; ExAC 0.00077; 1000 Genomes Project 0.00180; ESP Exome Variant Server 0.00185; 1000 Genomes Project 30x 0.00219; gnomAD 0.00237; TOPMed 0.00263.
gnomAD v4.1: 880 of 1,613,108 alleles (0.055%); highest among the groups gnomAD compares: African/African-American, 0.69%; 2 homozygotes.

Submissions (2):

Blueprint Genetics
Classification: Likely benign. Last evaluated: 2024-11-12. Review status: criteria provided, single submitter. Criteria: ACMG Guidelines, 2015. Collection method: clinical testing. Allele origin: germline.

PreventionGenetics, part of Exact Sciences
Classification: Likely benign for PI4KA-related condition. Last evaluated: 2023-11-22. Review status: no assertion criteria provided. Collection method: clinical testing. Allele origin: germline. Not counted in ClinVar's aggregate classification.
Comment: This variant is classified as likely benign based on ACMG/AMP sequence variant interpretation guidelines (Richards et al. 2015 PMID: 25741868, with internal and published modifications).